The following is an entry in ClinVar:

NM_053025.4(MYLK):c.4194C>T (p.His1398=)

Gene: MYLK (myosin light chain kinase; minus strand). Cytogenetic location: 3q21.1.
Variant type: single nucleotide variant.
Coding change: c.4194C>T on transcript NM_053025.4 (MANE Select); coding-DNA position 4194, C replaced by T.
Protein change: p.His1398=; no amino-acid change (histidine 1398 retained).
Molecular consequence: synonymous variant.
Genome position (GRCh38, 1-based): chr3:123,657,220, G>A on the plus strand (C>T on the coding strand, the complement: MYLK is on the minus strand). VCF-style: chr3-123657220-G-A. GRCh37 (hg19) VCF-style: chr3-123376067-G-A.
Other names: p.His1398=; c.3666C>T, p.His1222= (NM_001321309.2); c.3987C>T, p.His1329= (NM_053026.4, NM_053028.4); c.4194C>T, p.His1398= (NM_053027.4).
Identifiers: ClinVar variation 226767 (VCV000226767.45), dbSNP rs17298941, ClinGen allele CA071044.
Genomic context (GRCh38, chr3:123,657,220, plus strand): 5'-CTCCTGGCTTGGCTCACTGGTTCCATACACGTTGATTGCACGTACACGGAACTTATATTC[G>A]TGGTCAGGCAGCAGGTCCTGGACGTTGAAAGAGGTGCTGCGGCATGTGGCTAGTTCCTTC-3'
Protein context (NP_444253.3, residues 1388-1408): SFNVQDLLPD[His1398=]EYKFRVRAIN

ClinVar aggregate classification (germline): Benign. Review status: criteria provided, multiple submitters, no conflicts (2 of 4 stars). 15 submissions from 15 submitters: Benign (11). 4 of the submissions do not count toward it. Last evaluated 2026-02-04.

Conditions:
Familial thoracic aortic aneurysm and aortic dissection (TAAD). Also called: Thoracic aortic aneurysms and dissections. Identifiers: Orphanet 91387, MedGen C4707243, MONDO:0019625.
Aortic aneurysm, familial thoracic 7 (AAT7). Also called: AORTIC DISSECTION, FAMILIAL, WITH OR WITHOUT AORTIC ANEURYSM. Identifiers: MedGen C3151077, MONDO:0013418, OMIM 613780.

Allele frequency attached by ClinVar (database versions not stated): 1000 Genomes Project 0.01558; 1000 Genomes Project 30x 0.01562; gnomAD 0.02481 and 0.02512; TOPMed 0.02535; ESP Exome Variant Server 0.02922; gnomAD exomes 0.03012 and 0.03547; ExAC 0.03155.
gnomAD v4.1: 55,399 of 1,614,104 alleles (3.4%); highest among the groups gnomAD compares: Middle Eastern, 6.7%; 1,133 homozygotes.

Submissions (15):

Labcorp Genetics (formerly Invitae), Labcorp
Classification: Benign for Aortic aneurysm, familial thoracic 7. Last evaluated: 2026-02-04. Review status: criteria provided, single submitter. Criteria: Invitae Variant Classification Sherloc (09022015). Collection method: clinical testing. Allele origin: germline.

ARUP Laboratories, Molecular Genetics and Genomics, ARUP Laboratories
Classification: Benign. Last evaluated: 2025-07-21. Review status: criteria provided, single submitter. Criteria: ARUP Molecular Germline Variant Investigation Process 2024. Collection method: clinical testing. Allele origin: germline.

Molecular Diagnostic Laboratory for Inherited Cardiovascular Disease, Montreal Heart Institute
Classification: Benign. Last evaluated: 2025-04-09. Review status: criteria provided, single submitter. Criteria: ACMG Guidelines, 2015. Collection method: clinical testing. Allele origin: germline. Affected: no.

Women's Health and Genetics/Laboratory Corporation of America, LabCorp
Classification: Benign. Last evaluated: 2019-08-24. Review status: criteria provided, single submitter. Criteria: LabCorp Variant Classification Summary - May 2015. Collection method: clinical testing. Allele origin: germline.

Illumina Laboratory Services, Illumina
Classification: Benign for Aortic aneurysm, familial thoracic 7. Last evaluated: 2018-01-13. Review status: criteria provided, single submitter. Criteria: ICSL Variant Classification Criteria 13 December 2019. Collection method: clinical testing. Allele origin: germline.
Comment: This variant was observed in the ICSL laboratory as part of a predisposition screen in an ostensibly healthy population. It had not been previously curated by ICSL or reported in the Human Gene Mutation Database (HGMD: prior to June 1st, 2018), and was therefore a candidate for classification through an automated scoring system. Utilizing variant allele frequency, disease prevalence and penetrance estimates, and inheritance mode, an automated score was calculated to assess if this variant is too frequent to cause the disease. Based on the score and internal cut-off values, a variant classified as benign is not then subjected to further curation. The score for this variant resulted in a classification of benign for this disease.

GeneDx
Classification: Benign. Last evaluated: 2016-09-26. Review status: criteria provided, single submitter. Criteria: GeneDx Variant Classification (06012015). Collection method: clinical testing. Allele origin: germline. Affected: yes.
Comment: This variant is considered likely benign or benign based on one or more of the following criteria: it is a conservative change, it occurs at a poorly conserved position in the protein, it is predicted to be benign by multiple in silico algorithms, and/or has population frequency not consistent with disease.

Mayo Clinic Laboratories, Mayo Clinic
Classification: Benign. Last evaluated: 2015-03-17. Review status: criteria provided, single submitter. Criteria: ACMG Guidelines, 2015. Collection method: clinical testing. Allele origin: germline. Observed: 111 variant alleles.

Ambry Genetics
Classification: Benign for Familial thoracic aortic aneurysm and aortic dissection. Last evaluated: 2015-02-20. Review status: criteria provided, single submitter. Criteria: Ambry Variant Classification Scheme 2023. Collection method: clinical testing. Allele origin: germline.

Laboratory for Molecular Medicine, Mass General Brigham Personalized Medicine
Classification: Benign. Last evaluated: 2013-04-04. Review status: criteria provided, single submitter. Criteria: LMM Criteria. Collection method: clinical testing. Allele origin: germline. Observed: 2 variant alleles.
Comment: His1398His in exon 24 of MYLK: This variant is not expected to have clinical sig nificance because it does not alter an amino acid residue and is not located wit hin the splice consensus sequence. It has been identified in 3.9% (339/8600) of European American chromosomes from a broad population by the NHLBI Exome Sequenc ing Project (dbSNP rs17298941).

Breakthrough Genomics
Classification: Benign. Review status: criteria provided, single submitter. Criteria: ACMG Guidelines, 2015. Collection method: not provided. Allele origin: germline. Inheritance: Autosomal recessive inheritance. Affected: yes.

PreventionGenetics, part of Exact Sciences
Classification: Benign. Review status: criteria provided, single submitter. Criteria: ACMG Guidelines, 2015. Collection method: clinical testing. Allele origin: germline.

Clinical Genetics DNA and cytogenetics Diagnostics Lab, Erasmus MC, Erasmus Medical Center
Classification: Benign. Review status: no assertion criteria provided. Collection method: clinical testing. Allele origin: germline. Affected: yes. Study: VKGL Data-share Consensus. Not counted in ClinVar's aggregate classification.

Genome Diagnostics Laboratory, Amsterdam University Medical Center
Classification: Benign. Review status: no assertion criteria provided. Collection method: clinical testing. Allele origin: germline. Affected: yes. Study: VKGL Data-share Consensus. Not counted in ClinVar's aggregate classification.

Genome Diagnostics Laboratory, University Medical Center Utrecht
Classification: Benign. Review status: no assertion criteria provided. Collection method: clinical testing. Allele origin: germline. Affected: yes. Study: VKGL Data-share Consensus. Not counted in ClinVar's aggregate classification.

Joint Genome Diagnostic Labs from Nijmegen and Maastricht, Radboudumc and MUMC+
Classification: Benign. Review status: no assertion criteria provided. Collection method: clinical testing. Allele origin: germline. Affected: yes. Study: VKGL Data-share Consensus. Not counted in ClinVar's aggregate classification.